The following is an entry in ClinVar:

ClinVar aggregate classification (germline): Benign (1 of 4 stars; one submission).

Conditions:
Lynch syndrome 5 (LYNCH5). Also called: Colorectal cancer, hereditary nonpolyposis, type 5; Hereditary non-polyposis colorectal cancer, type 5. Identifiers: Orphanet 144, MedGen C1833477, MONDO:0013710, OMIM 614350. Disease mechanism: loss of function.

Submission:

Myriad Genetics, Inc.
Classification: Benign for Lynch syndrome 5. Last evaluated: 2025-01-03. Review status: criteria provided, single submitter. Criteria: Myriad Autosomal Dominant, Autosomal Recessive and X-Linked Classification Criteria (2023). Collection method: clinical testing. Allele origin: unknown.
Comment: This variant is considered benign. This variant is a silent/synonymous amino acid change and it is not expected to impact splicing.

NM_000179.3(MSH6):c.3231A>T (p.Pro1077=)

Gene: MSH6 (mutS homolog 6; plus strand). Cytogenetic location: 2p16.3.
Variant type: single nucleotide variant.
Coding change: c.3231A>T on transcript NM_000179.3 (MANE Select); coding-DNA position 3231, A replaced by T.
Protein change: p.Pro1077=; no amino-acid change (proline 1077 retained).
Molecular consequence: synonymous variant. On other transcripts: non-coding transcript variant (5), intron variant (1).
Genome position (GRCh38, 1-based): chr2:47,803,478, A>T. VCF-style: chr2-47803478-A-T. GRCh37 (hg19) VCF-style: chr2-48030617-A-T.
Other names: c.2841A>T, p.Pro947= (NM_001281492.2); c.2325A>T, p.Pro775= (NM_001281493.2, NM_001281494.2, NM_001406811.1 and 6 more transcripts); c.3327A>T, p.Pro1109= (NM_001406795.1, NM_001406802.1); c.3231A>T, p.Pro1077= (NM_001406796.1, NM_001406800.1, NM_001406808.1 and 1 more transcripts); c.2934A>T, p.Pro978= (NM_001406797.1, NM_001406801.1, NM_001406805.1 and 10 more transcripts); c.2706A>T, p.Pro902= (NM_001406799.1, NM_001406806.1, NM_001406807.1); c.2367A>T, p.Pro789= (NM_001406803.1); c.3153A>T, p.Pro1051= (NM_001406804.1); and 7 more.
Identifiers: ClinVar variation 3904225 (VCV003904225.1).
Genomic context (GRCh38, chr2:47,803,478, plus strand): 5'-AGATGTTTTACTGTGCCTGGCTAACTATAGTCGAGGGGGTGATGGTCCTATGTGTCGCCC[A>T]GTAATTCTGTTGCCGGAAGATACCCCCCCCTTCTTAGAGCTTAAAGGATCACGCCATCCT-3'
Protein context (NP_000170.1, residues 1067-1087): SRGGDGPMCR[Pro1077=]VILLPEDTPP